The following is an entry in ClinVar:

NM_000550.3(TYRP1):c.674G>C (p.Arg225Thr)

Gene: TYRP1 (tyrosinase related protein 1; plus strand). Cytogenetic location: 9p23.
Variant type: single nucleotide variant.
Coding change: c.674G>C on transcript NM_000550.3 (MANE Select); coding-DNA position 674, G replaced by C.
Protein change: p.Arg225Thr; replaces arginine 225 with threonine.
Molecular consequence: missense variant.
Genome position (GRCh38, 1-based): chr9:12,695,803, G>C. VCF-style: chr9-12695803-G-C. GRCh37 (hg19) VCF-style: chr9-12695803-G-C.
Other names: short protein forms R225T.
Identifiers: ClinVar variation 4770192 (VCV004770192.1).

ClinVar aggregate classification (germline): Uncertain significance (1 of 4 stars; one submission).

Submission:

Labcorp Genetics (formerly Invitae), Labcorp
Classification: Uncertain significance. Last evaluated: 2025-04-11. Review status: criteria provided, single submitter. Criteria: Invitae Variant Classification Sherloc (09022015). Collection method: clinical testing. Allele origin: germline.
Comment: This sequence change replaces arginine, which is basic and polar, with threonine, which is neutral and polar, at codon 225 of the TYRP1 protein (p.Arg225Thr). This variant is not present in population databases (gnomAD no frequency). This variant has not been reported in the literature in individuals affected with TYRP1-related conditions. Invitae Evidence Modeling of protein sequence and biophysical properties (such as structural, functional, and spatial information, amino acid conservation, physicochemical variation, residue mobility, and thermodynamic stability) indicates that this missense variant is expected to disrupt TYRP1 protein function with a positive predictive value of 80%. In summary, the available evidence is currently insufficient to determine the role of this variant in disease. Therefore, it has been classified as a Variant of Uncertain Significance.